The following is an entry in ClinVar:

NM_015656.2(KIF26A):c.846G>A (p.Thr282=)

Gene: KIF26A (kinesin family member 26A; plus strand). Cytogenetic location: 14q32.33.
Variant type: single nucleotide variant.
Coding change: c.846G>A on transcript NM_015656.2 (MANE Select); coding-DNA position 846, G replaced by A.
Protein change: p.Thr282=; no amino-acid change (threonine 282 retained).
Molecular consequence: synonymous variant.
Genome position (GRCh38, 1-based): chr14:104,157,865, G>A. VCF-style: chr14-104157865-G-A. GRCh37 (hg19) VCF-style: chr14-104624202-G-A.
Identifiers: ClinVar variation 2644599 (VCV002644599.24), dbSNP rs776799480, ClinGen allele CA7370183.

ClinVar aggregate classification (germline): Likely benign (1 of 4 stars; one submission).

Allele frequency attached by ClinVar (database versions not stated): ExAC 0.00012; gnomAD 0.00014; TOPMed 0.00015.
gnomAD v4.1: 126 of 1,600,350 alleles (0.0079%); highest among the groups gnomAD compares: Middle Eastern, 0.033%; no homozygotes.

Submission:

CeGaT Center for Human Genetics Tuebingen
Classification: Likely benign. Last evaluated: 2023-02-01. Review status: criteria provided, single submitter. Criteria: CeGaT Center For Human Genetics Tuebingen Variant Classification Criteria Version 2. Collection method: clinical testing. Allele origin: germline. Affected: yes. Observed: 1 variant allele.
Comment: KIF26A: BP4, BP7